The following is an entry in ClinVar:

ClinVar aggregate classification (germline): Benign/Likely benign. Review status: criteria provided, multiple submitters, no conflicts (2 of 4 stars). 2 submissions from 2 submitters: Benign (1); Likely benign (1). Last evaluated 2025-10-01.

Allele frequency attached by ClinVar (database versions not stated): gnomAD exomes 0.00049 and 0.00107; 1000 Genomes Project 0.00439; gnomAD 0.00440 and 0.00411; ESP Exome Variant Server 0.00469; TOPMed 0.00471; 1000 Genomes Project 30x 0.00531; ExAC 0.00137.
gnomAD v4.1: 1,369 of 1,613,924 alleles (0.085%); highest among the groups gnomAD compares: African/African-American, 1.5%; 5 homozygotes.

Submissions (2):

CeGaT Center for Human Genetics Tuebingen
Classification: Likely benign. Last evaluated: 2025-10-01. Review status: criteria provided, single submitter. Criteria: CeGaT Center For Human Genetics Tuebingen Variant Classification Criteria Version 2. Collection method: clinical testing. Allele origin: germline. Affected: yes. Observed: 1 variant allele.
Comment: GTF2IRD1: BP4, BS1

Labcorp Genetics (formerly Invitae), Labcorp
Classification: Benign. Last evaluated: 2019-12-31. Review status: criteria provided, single submitter. Criteria: Invitae Variant Classification Sherloc (09022015). Collection method: clinical testing. Allele origin: germline.

NM_005685.4(GTF2IRD1):c.1640C>T (p.Ala547Val)

Gene: GTF2IRD1 (GTF2I repeat domain containing 1; plus strand). Cytogenetic location: 7q11.23.
Variant type: single nucleotide variant.
Coding change: c.1640C>T on transcript NM_005685.4 (MANE Select); coding-DNA position 1640, C replaced by T.
Protein change: p.Ala547Val; replaces alanine 547 with valine.
Molecular consequence: missense variant.
Genome position (GRCh38, 1-based): chr7:74,544,776, C>T. VCF-style: chr7-74544776-C-T. GRCh37 (hg19) VCF-style: chr7-73959106-C-T.
Other names: c.1736C>T, p.Ala579Val (NM_001199207.2); c.1640C>T, p.Ala547Val (NM_016328.3); short protein forms A547V, A579V.
Identifiers: ClinVar variation 714348 (VCV000714348.10), dbSNP rs147430261, ClinGen allele CA4296968.